The following is an entry in ClinVar:

ClinVar aggregate classification (germline): Benign. Review status: criteria provided, single submitter (1 of 4 stars). 4 submissions from 4 submitters: Benign (1). 3 of the submissions do not count toward it. Last evaluated 2019-12-31.

Conditions:
STS-related disorder. Also called: STS-related condition.

Allele frequency attached by ClinVar (database versions not stated): ExAC 0.00032; gnomAD exomes 0.00041; ESP Exome Variant Server 0.00047; TOPMed 0.00065; gnomAD 0.00068 and 0.00070; 1000 Genomes Project 0.00079; 1000 Genomes Project 30x 0.00083.
gnomAD v4.1: 894 of 1,209,378 alleles (0.074%); highest among the groups gnomAD compares: Non-Finnish European, 0.089%; 2 homozygotes.

Submissions (4):

Labcorp Genetics (formerly Invitae), Labcorp
Classification: Benign. Last evaluated: 2019-12-31. Review status: criteria provided, single submitter. Criteria: Invitae Variant Classification Sherloc (09022015). Collection method: clinical testing. Allele origin: germline.

PreventionGenetics, part of Exact Sciences
Classification: Likely benign for STS-related condition. Last evaluated: 2022-10-19. Review status: no assertion criteria provided. Collection method: clinical testing. Allele origin: germline. Not counted in ClinVar's aggregate classification.
Comment: This variant is classified as likely benign based on ACMG/AMP sequence variant interpretation guidelines (Richards et al. 2015 PMID: 25741868, with internal and published modifications).

Clinical Genetics DNA and cytogenetics Diagnostics Lab, Erasmus MC, Erasmus Medical Center
Classification: Likely benign. Review status: no assertion criteria provided. Collection method: clinical testing. Allele origin: germline. Affected: yes. Study: VKGL Data-share Consensus. Not counted in ClinVar's aggregate classification.

Genome Diagnostics Laboratory, University Medical Center Utrecht
Classification: Likely benign. Review status: no assertion criteria provided. Collection method: clinical testing. Allele origin: germline. Affected: yes. Study: VKGL Data-share Consensus. Not counted in ClinVar's aggregate classification.

NM_001320752.2(STS):c.1124G>C (p.Gly375Ala)

Gene: STS (steroid sulfatase; plus strand). Cytogenetic location: Xp22.31.
Variant type: single nucleotide variant.
Coding change: c.1124G>C on transcript NM_001320752.2 (MANE Select); coding-DNA position 1124, G replaced by C.
Protein change: p.Gly375Ala; replaces glycine 375 with alanine.
Molecular consequence: missense variant.
Genome position (GRCh38, 1-based): chrX:7,325,381, G>C. VCF-style: chrX-7325381-G-C. GRCh37 (hg19) VCF-style: chrX-7243422-G-C.
Other names: c.1124G>C, p.Gly375Ala (NM_000351.7, NM_001320753.2, NM_001320754.2); c.1160G>C, p.Gly387Ala (NM_001320750.3, NM_001320751.2); c.1139G>C (NM_000351.5); short protein forms G375A, G387A.
Identifiers: ClinVar variation 772496 (VCV000772496.8), dbSNP rs145886038, ClinGen allele CA10342112.